The following is an entry in ClinVar:

ClinVar aggregate classification (germline): Benign (0 of 4 stars; one submission).

Conditions:
EFR3A-related disorder. Also called: EFR3A-related condition.

Allele frequency attached by ClinVar (database versions not stated): 1000 Genomes Project 0.01358; 1000 Genomes Project 30x 0.01452; TOPMed 0.01529; ESP Exome Variant Server 0.01572.
gnomAD v4.1: 4,383 of 1,611,984 alleles (0.27%); highest among the groups gnomAD compares: African/African-American, 4.8%; 87 homozygotes.

Submission:

PreventionGenetics, part of Exact Sciences
Classification: Benign for EFR3A-related condition. Last evaluated: 2019-05-03. Review status: no assertion criteria provided. Collection method: clinical testing. Allele origin: germline.
Comment: This variant is classified as benign based on ACMG/AMP sequence variant interpretation guidelines (Richards et al. 2015 PMID: 25741868, with internal and published modifications).

NM_015137.6(EFR3A):c.795A>T (p.Lys265Asn)

Gene: EFR3A (EFR3 homolog A; plus strand). Cytogenetic location: 8q24.22.
Variant type: single nucleotide variant.
Coding change: c.795A>T on transcript NM_015137.6 (MANE Select); coding-DNA position 795, A replaced by T.
Protein change: p.Lys265Asn; replaces lysine 265 with asparagine.
Molecular consequence: missense variant. On other transcripts: non-coding transcript variant (2).
Genome position (GRCh38, 1-based): chr8:131,959,603, A>T. VCF-style: chr8-131959603-A-T. GRCh37 (hg19) VCF-style: chr8-132971850-A-T.
Other names: c.687A>T, p.Lys229Asn (NM_001323553.2, NM_001323554.2, NM_001323555.2 and 2 more transcripts); c.795A>T, p.Lys265Asn (NM_001323558.2); short protein forms K229N, K265N.
Identifiers: ClinVar variation 3060862 (VCV003060862.2), dbSNP rs61740223, ClinGen allele CA4878876.
Genomic context (GRCh38, chr8:131,959,603, plus strand): 5'-TAGTAAAATAGAGAATTTTAAAGTAATTTTTGTTATTTGCAGGCATTTAGATCATCACAA[A>T]CTGTGGGATCCCAATGAATTTGCAGTTCACTGCTTTAAAATTATAATGTATTCCATTCAG-3'
Protein context (NP_055952.2, residues 255-275): RPVFAHLDHH[Lys265Asn]LWDPNEFAVH